The following is an entry in ClinVar:

NM_001083961.2(WDR62):c.3494T>C (p.Leu1165Pro)

Gene: WDR62 (WD repeat domain 62; plus strand). Cytogenetic location: 19q13.12.
Variant type: single nucleotide variant.
Coding change: c.3494T>C on transcript NM_001083961.2 (MANE Select); coding-DNA position 3494, T replaced by C.
Protein change: p.Leu1165Pro; replaces leucine 1165 with proline.
Molecular consequence: missense variant.
Genome position (GRCh38, 1-based): chr19:36,103,187, T>C. VCF-style: chr19-36103187-T-C. GRCh37 (hg19) VCF-style: chr19-36594089-T-C.
Other names: c.3479T>C, p.Leu1160Pro (NM_001411145.1, NM_173636.5); c.3245T>C, p.Leu1082Pro (NM_001411146.1); c.3143T>C, p.Leu1048Pro (NM_001411147.1); short protein forms L1165P, L1048P, L1082P, L1160P.
Identifiers: ClinVar variation 5031765 (VCV005031765.1).

ClinVar aggregate classification (germline): Uncertain significance (1 of 4 stars; one submission).

Conditions:
Inborn genetic diseases. Identifiers: MedGen C0950123, MeSH D030342.

gnomAD v4.1: 22 of 1,613,836 alleles (0.0014%); highest among the groups gnomAD compares: African/African-American, 0.025%; no homozygotes.

Submission:

Ambry Genetics
Classification: Uncertain significance for Inborn genetic diseases. Last evaluated: 2026-08-13. Review status: criteria provided, single submitter. Criteria: Ambry Variant Classification Scheme 2023. Collection method: clinical testing. Allele origin: germline.
Comment: The c.3494T>C (p.L1165P) alteration is located in exon 29 (coding exon 29) of the WDR62 gene. This alteration results from a T to C substitution at nucleotide position 3494, causing the leucine (L) at amino acid position 1165 to be replaced by a proline (P). Based on data from gnomAD, the C allele has an overall frequency of 0.003% (7/282104) total alleles studied. The highest observed frequency was 0.024% (6/24916) of African alleles. Based on insufficient or conflicting evidence, the clinical significance of this alteration remains unclear.